The following is an entry in ClinVar:

ClinVar aggregate classification (germline): Uncertain significance (1 of 4 stars; one submission).

Conditions:
Autism spectrum disorder - epilepsy - arthrogryposis syndrome (AMRS). Identifiers: Orphanet 370943, MedGen C3809910, MONDO:0014248, OMIM 615553.

Submission:

Labcorp Genetics (formerly Invitae), Labcorp
Classification: Uncertain significance for Autism spectrum disorder - epilepsy - arthrogryposis syndrome. Last evaluated: 2021-08-31. Review status: criteria provided, single submitter. Criteria: Invitae Variant Classification Sherloc (09022015). Collection method: clinical testing. Allele origin: germline.
Comment: This sequence change replaces leucine with serine at codon 276 of the SLC35A3 protein (p.Leu276Ser). The leucine residue is highly conserved and there is a large physicochemical difference between leucine and serine. This variant is not present in population databases (ExAC no frequency). This variant has not been reported in the literature in individuals affected with SLC35A3-related conditions. Algorithms developed to predict the effect of missense changes on protein structure and function are either unavailable or do not agree on the potential impact of this missense change (SIFT: "Deleterious"; PolyPhen-2: "Benign"; Align-GVGD: "Class C0"). In summary, the available evidence is currently insufficient to determine the role of this variant in disease. Therefore, it has been classified as a Variant of Uncertain Significance.

NM_012243.3(SLC35A3):c.827T>C (p.Leu276Ser)

Gene: SLC35A3 (solute carrier family 35 member A3; plus strand). Cytogenetic location: 1p21.2.
Variant type: single nucleotide variant.
Coding change: c.827T>C on transcript NM_012243.3 (MANE Select); coding-DNA position 827, T replaced by C.
Protein change: p.Leu276Ser; replaces leucine 276 with serine.
Molecular consequence: missense variant. On other transcripts: intron variant (1).
Genome position (GRCh38, 1-based): chr1:100,017,755, T>C. VCF-style: chr1-100017755-T-C. GRCh37 (hg19) VCF-style: chr1-100483311-T-C.
Other names: c.953T>C, p.Leu318Ser (NM_001271685.2); c.635-4631T>C (NM_001271684.2); short protein forms L276S, L318S.
Identifiers: ClinVar variation 541614 (VCV000541614.3), dbSNP rs1553204431, ClinGen allele CA341317516.